The following is an entry in ClinVar:

NM_006158.5(NEFL):c.1009G>C (p.Glu337Gln)

Gene: NEFL (neurofilament light chain; minus strand). Cytogenetic location: 8p21.2.
Variant type: single nucleotide variant.
Coding change: c.1009G>C on transcript NM_006158.5 (MANE Select); coding-DNA position 1009, G replaced by C.
Protein change: p.Glu337Gln; replaces glutamic acid 337 with glutamine.
Molecular consequence: missense variant.
Genome position (GRCh38, 1-based): chr8:24,955,507, C>G on the plus strand (G>C on the coding strand, the complement: NEFL is on the minus strand). VCF-style: chr8-24955507-C-G. GRCh37 (hg19) VCF-style: chr8-24813021-C-G.
Other names: short protein forms E337Q.
Identifiers: ClinVar variation 2102993 (VCV002102993.4), dbSNP rs1200907265, ClinGen allele CA370621146.

ClinVar aggregate classification (germline): Uncertain significance (1 of 4 stars; one submission).

Conditions:
Charcot-Marie-Tooth disease type 2E (CMT2E). Also called: CHARCOT-MARIE-TOOTH DISEASE, AXONAL, TYPE 2E; CHARCOT-MARIE-TOOTH NEUROPATHY, TYPE 2E. Identifiers: Orphanet 99939, MedGen C1843225, MONDO:0011894, OMIM 607684.

Allele frequency attached by ClinVar (database versions not stated): gnomAD exomes 0.00001.
gnomAD v4.1: 3 of 1,612,180 alleles (0.00019%); highest among the groups gnomAD compares: African/African-American, 0.0013%; no homozygotes.

Submission:

Labcorp Genetics (formerly Invitae), Labcorp
Classification: Uncertain significance for Charcot-Marie-Tooth disease type 2E. Last evaluated: 2022-02-24. Review status: criteria provided, single submitter. Criteria: Invitae Variant Classification Sherloc (09022015). Collection method: clinical testing. Allele origin: germline.
Comment: In summary, the available evidence is currently insufficient to determine the role of this variant in disease. Therefore, it has been classified as a Variant of Uncertain Significance. This sequence change replaces glutamic acid, which is acidic and polar, with glutamine, which is neutral and polar, at codon 337 of the NEFL protein (p.Glu337Gln). This variant is not present in population databases (gnomAD no frequency). This variant has not been reported in the literature in individuals affected with NEFL-related conditions. Experimental studies and prediction algorithms are not available or were not evaluated, and the functional significance of this variant is currently unknown.